The following is an entry in ClinVar:

NM_001256545.2(MEGF10):c.451C>T (p.Arg151Trp)

Gene: MEGF10 (multiple EGF like domains 10; plus strand). Cytogenetic location: 5q23.2.
Variant type: single nucleotide variant.
Coding change: c.451C>T on transcript NM_001256545.2 (MANE Select); coding-DNA position 451, C replaced by T.
Protein change: p.Arg151Trp; replaces arginine 151 with tryptophan.
Molecular consequence: missense variant.
Genome position (GRCh38, 1-based): chr5:127,396,570, C>T. VCF-style: chr5-127396570-C-T. GRCh37 (hg19) VCF-style: chr5-126732262-C-T.
Other names: c.451C>T, p.Arg151Trp (NM_001308119.2, NM_001308121.2, NM_032446.3); short protein forms R151W.
Identifiers: ClinVar variation 574954 (VCV000574954.9), dbSNP rs767672691, ClinGen allele CA3391299.

ClinVar aggregate classification (germline): Uncertain significance. Review status: criteria provided, multiple submitters, no conflicts (2 of 4 stars). 3 submissions from 3 submitters: Uncertain significance (3). Last evaluated 2022-08-05.

Conditions:
Inborn genetic diseases. Identifiers: MedGen C0950123, MeSH D030342.
MEGF10-related myopathy (CMYO10A). Also called: Congenital myopathy 10A, severe variant. Identifiers: Orphanet 439212, MedGen C3280679, MONDO:0013731, OMIM 614399.

Allele frequency attached by ClinVar (database versions not stated): TOPMed 0.00004; gnomAD 0.00006.

Submissions (3):

Labcorp Genetics (formerly Invitae), Labcorp
Classification: Uncertain significance for MEGF10-related myopathy. Last evaluated: 2022-08-05. Review status: criteria provided, single submitter. Criteria: Invitae Variant Classification Sherloc (09022015). Collection method: clinical testing. Allele origin: germline.
Comment: This sequence change replaces arginine, which is basic and polar, with tryptophan, which is neutral and slightly polar, at codon 151 of the MEGF10 protein (p.Arg151Trp). This variant is present in population databases (rs767672691, gnomAD 0.009%). This variant has not been reported in the literature in individuals affected with MEGF10-related conditions. ClinVar contains an entry for this variant (Variation ID: 574954). Algorithms developed to predict the effect of missense changes on protein structure and function (SIFT, PolyPhen-2, Align-GVGD) all suggest that this variant is likely to be disruptive. In summary, the available evidence is currently insufficient to determine the role of this variant in disease. Therefore, it has been classified as a Variant of Uncertain Significance.

Ambry Genetics
Classification: Uncertain significance for Inborn genetic diseases. Last evaluated: 2021-09-17. Review status: criteria provided, single submitter. Criteria: Ambry Variant Classification Scheme 2023. Collection method: clinical testing. Allele origin: germline.

GeneDx
Classification: Uncertain significance. Last evaluated: 2019-07-03. Review status: criteria provided, single submitter. Criteria: GeneDx Variant Classification Process June 2021. Collection method: clinical testing. Allele origin: germline. Affected: yes.
Comment: Not observed at a significant frequency in large population cohorts (Lek et al., 2016); In silico analysis, which includes protein predictors and evolutionary conservation, supports a deleterious effect; Has not been previously published as pathogenic or benign to our knowledge